The following is an entry in ClinVar:

NM_144997.7(FLCN):c.515T>G (p.Ile172Ser)

Gene: FLCN (folliculin; minus strand). Cytogenetic location: 17p11.2.
Variant type: single nucleotide variant.
Coding change: c.515T>G on transcript NM_144997.7 (MANE Select); coding-DNA position 515, T replaced by G.
Protein change: p.Ile172Ser; replaces isoleucine 172 with serine.
Molecular consequence: missense variant.
Genome position (GRCh38, 1-based): chr17:17,224,025, A>C on the plus strand (T>G on the coding strand, the complement: FLCN is on the minus strand). VCF-style: chr17-17224025-A-C. GRCh37 (hg19) VCF-style: chr17-17127339-A-C.
Other names: c.569T>G, p.Ile190Ser (NM_001353229.2); c.515T>G, p.Ile172Ser (NM_001353230.2, NM_001353231.2, NM_144606.7); short protein forms I190S, I172S.
Identifiers: ClinVar variation 1982395 (VCV001982395.1), dbSNP rs2144976937, ClinGen allele CA398534384.

ClinVar aggregate classification (germline): Uncertain significance (1 of 4 stars; one submission).

Conditions:
Birt-Hogg-Dube syndrome. Also called: Birt Hogg Dubé syndrome. Identifiers: Orphanet 122, MedGen C0346010, MONDO:0800444.

Submission:

Labcorp Genetics (formerly Invitae), Labcorp
Classification: Uncertain significance for Birt-Hogg-Dube syndrome. Last evaluated: 2021-09-14. Review status: criteria provided, single submitter. Criteria: Invitae Variant Classification Sherloc (09022015). Collection method: clinical testing. Allele origin: germline.
Comment: This sequence change replaces isoleucine with serine at codon 172 of the FLCN protein (p.Ile172Ser). The isoleucine residue is highly conserved and there is a large physicochemical difference between isoleucine and serine. This variant is not present in population databases (ExAC no frequency). This variant has not been reported in the literature in individuals affected with FLCN-related conditions. Algorithms developed to predict the effect of missense changes on protein structure and function (SIFT, PolyPhen-2, Align-GVGD) all suggest that this variant is likely to be disruptive. In summary, the available evidence is currently insufficient to determine the role of this variant in disease. Therefore, it has been classified as a Variant of Uncertain Significance.